The following is an entry in ClinVar:

ClinVar aggregate classification (germline): Likely benign. Review status: criteria provided, multiple submitters, no conflicts (2 of 4 stars). 4 submissions from 4 submitters: Likely benign (4). Last evaluated 2026-01-09.

Conditions:
TTN-related disorder. Also called: TTN-related disorders; TTN-related condition; TTN-related disease.
Dilated cardiomyopathy 1G (CMD1G). Identifiers: Orphanet 154, MedGen C1858763, MONDO:0011400, OMIM 604145.
Autosomal recessive limb-girdle muscular dystrophy type 2J (LGMDR10). Also called: MUSCULAR DYSTROPHY, LIMB-GIRDLE, AUTOSOMAL RECESSIVE 10; Limb-girdle muscular dystrophy, type 2J. Identifiers: Orphanet 140922, MedGen C1837342, MONDO:0012127, OMIM 608807.

Allele frequency attached by ClinVar (database versions not stated): ExAC 0.00002; TOPMed 0.00002; gnomAD exomes 0.00003.
gnomAD v4.1: 17 of 1,612,158 alleles (0.0011%); highest among the groups gnomAD compares: Admixed American, 0.005%; 1 homozygote.

Submissions (4):

PreventionGenetics, part of Exact Sciences
Classification: Likely benign for TTN-related condition. Last evaluated: 2026-01-09. Review status: criteria provided, single submitter. Criteria: ACMG Guidelines, 2015. Collection method: clinical testing. Allele origin: germline.
Comment: This variant is classified as likely benign based on ACMG/AMP sequence variant interpretation guidelines (Richards et al. 2015 PMID: 25741868, with internal and published modifications).

Labcorp Genetics (formerly Invitae), Labcorp
Classification: Likely benign for Dilated cardiomyopathy 1G; Autosomal recessive limb-girdle muscular dystrophy type 2J. Last evaluated: 2025-07-13. Review status: criteria provided, single submitter. Criteria: Invitae Variant Classification Sherloc (09022015). Collection method: clinical testing. Allele origin: germline.

CeGaT Center for Human Genetics Tuebingen
Classification: Likely benign. Last evaluated: 2025-04-01. Review status: criteria provided, single submitter. Criteria: CeGaT Center For Human Genetics Tuebingen Variant Classification Criteria Version 2. Collection method: clinical testing. Allele origin: germline. Affected: yes. Observed: 5 variant alleles.
Comment: TTN: BP4, BP7

Blueprint Genetics
Classification: Likely benign. Last evaluated: 2022-11-21. Review status: criteria provided, single submitter. Criteria: ACMG Guidelines, 2015. Collection method: clinical testing. Allele origin: germline.

NM_001267550.2(TTN):c.39216A>C (p.Pro13072=)

Gene: TTN (titin; minus strand). Cytogenetic location: 2q31.2.
Variant type: single nucleotide variant.
Coding change: c.39216A>C on transcript NM_001267550.2 (MANE Select); coding-DNA position 39216, A replaced by C.
Protein change: p.Pro13072=; no amino-acid change (proline 13072 retained).
Molecular consequence: synonymous variant. On other transcripts: intron variant (3).
Genome position (GRCh38, 1-based): chr2:178,652,175, T>G on the plus strand (A>C on the coding strand, the complement: TTN is on the minus strand). VCF-style: chr2-178652175-T-G. GRCh37 (hg19) VCF-style: chr2-179516902-T-G.
Other names: c.34695A>C, p.Pro11565= (NM_001256850.1); c.31914A>C, p.Pro10638= (NM_133378.4); c.13283-9858A>C (NM_003319.4); c.13859-9858A>C (NM_133437.4); c.13658-9858A>C (NM_133432.3).
Identifiers: ClinVar variation 1135051 (VCV001135051.44), dbSNP rs749227850, ClinGen allele CA1996806.